The following is an entry in ClinVar:

ClinVar aggregate classification (germline): Benign/Likely benign. Review status: criteria provided, multiple submitters, no conflicts (2 of 4 stars). 2 submissions from 2 submitters: Benign (1); Likely benign (1). Last evaluated 2024-04-10.

Conditions:
Diamond-Blackfan anemia 6 (DBA6). Also called: RPL5-Related Diamond-Blackfan Anemia. Identifiers: Orphanet 124, MedGen C2931850, MONDO:0012937, OMIM 612561.

Allele frequency attached by ClinVar (database versions not stated): gnomAD 0.00013; ESP Exome Variant Server 0.00023; TOPMed 0.00026.
gnomAD v4.1: 387 of 1,613,958 alleles (0.024%); highest among the groups gnomAD compares: African/African-American, 0.011%; 1 homozygote.

Submissions (2):

Blueprint Genetics
Classification: Likely benign. Last evaluated: 2024-04-10. Review status: criteria provided, single submitter. Criteria: ACMG Guidelines, 2015. Collection method: clinical testing. Allele origin: germline.

Illumina Laboratory Services, Illumina
Classification: Benign for Diamond-Blackfan anemia 6. Last evaluated: 2018-01-13. Review status: criteria provided, single submitter. Criteria: ICSL Variant Classification Criteria 13 December 2019. Collection method: clinical testing. Allele origin: germline.
Comment: This variant was observed in the ICSL laboratory as part of a predisposition screen in an ostensibly healthy population. It had not been previously curated by ICSL or reported in the Human Gene Mutation Database (HGMD: prior to June 1st, 2018), and was therefore a candidate for classification through an automated scoring system. Utilizing variant allele frequency, disease prevalence and penetrance estimates, and inheritance mode, an automated score was calculated to assess if this variant is too frequent to cause the disease. Based on the score and internal cut-off values, a variant classified as benign is not then subjected to further curation. The score for this variant resulted in a classification of benign for this disease.

NM_000969.5(RPL5):c.-18C>A

Gene: RPL5 (ribosomal protein L5; plus strand). Cytogenetic location: 1p22.1.
Variant type: single nucleotide variant.
Coding change: c.-18C>A on transcript NM_000969.5 (MANE Select); 18 bases upstream of the start codon, C replaced by A.
Molecular consequence: 5 prime UTR variant. On other transcripts: non-coding transcript variant (1).
Genome position (GRCh38, 1-based): chr1:92,832,097, C>A. VCF-style: chr1-92832097-C-A. GRCh37 (hg19) VCF-style: chr1-93297654-C-A.
Other names: c.-18C>A (LRG_1155t1).
Identifiers: ClinVar variation 298205 (VCV000298205.6), dbSNP rs201295012, ClinGen allele CA952284.